The following is an entry in ClinVar:

ClinVar aggregate classification (germline): Uncertain significance (1 of 4 stars; one submission).

Submission:

Labcorp Genetics (formerly Invitae), Labcorp
Classification: Uncertain significance. Last evaluated: 2024-10-23. Review status: criteria provided, single submitter. Criteria: Invitae Variant Classification Sherloc (09022015). Collection method: clinical testing. Allele origin: germline.
Comment: This sequence change replaces glycine, which is neutral and non-polar, with aspartic acid, which is acidic and polar, at codon 1067 of the SETBP1 protein (p.Gly1067Asp). This variant is not present in population databases (gnomAD no frequency). This variant has not been reported in the literature in individuals affected with SETBP1-related conditions. ClinVar contains an entry for this variant (Variation ID: 1721059). Invitae Evidence Modeling of protein sequence and biophysical properties (such as structural, functional, and spatial information, amino acid conservation, physicochemical variation, residue mobility, and thermodynamic stability) indicates that this missense variant is expected to disrupt SETBP1 protein function with a positive predictive value of 80%. In summary, the available evidence is currently insufficient to determine the role of this variant in disease. Therefore, it has been classified as a Variant of Uncertain Significance.

NM_015559.3(SETBP1):c.3200G>A (p.Gly1067Asp)

Gene: SETBP1 (SET binding protein 1; plus strand). Cytogenetic location: 18q12.3.
Variant type: single nucleotide variant.
Coding change: c.3200G>A on transcript NM_015559.3 (MANE Select); coding-DNA position 3200, G replaced by A.
Protein change: p.Gly1067Asp; replaces glycine 1067 with aspartic acid.
Molecular consequence: missense variant.
Genome position (GRCh38, 1-based): chr18:44,952,540, G>A. VCF-style: chr18-44952540-G-A. GRCh37 (hg19) VCF-style: chr18-42532505-G-A.
Other names: c.3200G>A, p.Gly1067Asp (NM_001379141.1, NM_001379142.1, NM_001410862.1); short protein forms G1067D.
Identifiers: ClinVar variation 1721059 (VCV001721059.5), dbSNP rs2071384127, ClinGen allele CA402323837.
Genomic context (GRCh38, chr18:44,952,540, plus strand): 5'-ACTATGCACCCTATGGAATGCCTTACACATCAATGCCTATGATGAACCTTGGTTATTACG[G>A]TCAGTACCCAGCTCCTTTGTACCTATCGCACACGCTTGGAGCAGCTTCCCCATTCATGAG-3'
Protein context (NP_056374.2, residues 1057-1077): SMPMMNLGYY[Gly1067Asp]QYPAPLYLSH